The following is an entry in ClinVar:

ClinVar aggregate classification (germline): Uncertain significance. Review status: criteria provided, multiple submitters, no conflicts (2 of 4 stars). 2 submissions from 2 submitters: Uncertain significance (2). Last evaluated 2022-05-16.

Allele frequency attached by ClinVar (database versions not stated): gnomAD exomes below 0.00001; ExAC 0.00001; TOPMed 0.00001.
gnomAD v4.1: 2 of 1,614,228 alleles (0.00012%); highest among the groups gnomAD compares: Admixed American, 0.0017%; no homozygotes.

Submissions (2):

Labcorp Genetics (formerly Invitae), Labcorp
Classification: Uncertain significance. Last evaluated: 2022-05-16. Review status: criteria provided, single submitter. Criteria: Invitae Variant Classification Sherloc (09022015). Collection method: clinical testing. Allele origin: germline.
Comment: This sequence change replaces alanine, which is neutral and non-polar, with serine, which is neutral and polar, at codon 174 of the TGM6 protein (p.Ala174Ser). This variant is present in population databases (rs760984105, gnomAD 0.003%). This variant has not been reported in the literature in individuals affected with TGM6-related conditions. ClinVar contains an entry for this variant (Variation ID: 448678). Advanced modeling of protein sequence and biophysical properties (such as structural, functional, and spatial information, amino acid conservation, physicochemical variation, residue mobility, and thermodynamic stability) performed at Invitae indicates that this missense variant is not expected to disrupt TGM6 protein function. In summary, the available evidence is currently insufficient to determine the role of this variant in disease. Therefore, it has been classified as a Variant of Uncertain Significance.

Athena Diagnostics
Classification: Uncertain significance. Last evaluated: 2017-04-12. Review status: criteria provided, single submitter. Criteria: Athena Diagnostics Criteria. Collection method: clinical testing. Allele origin: germline.

NM_198994.3(TGM6):c.520G>T (p.Ala174Ser)

Gene: TGM6 (transglutaminase 6; plus strand). Cytogenetic location: 20p13.
Variant type: single nucleotide variant.
Coding change: c.520G>T on transcript NM_198994.3 (MANE Select); coding-DNA position 520, G replaced by T.
Protein change: p.Ala174Ser; replaces alanine 174 with serine.
Molecular consequence: missense variant.
Genome position (GRCh38, 1-based): chr20:2,396,601, G>T. VCF-style: chr20-2396601-G-T. GRCh37 (hg19) VCF-style: chr20-2377247-G-T.
Other names: c.520G>T, p.Ala174Ser (NM_001254734.2); short protein forms A174S.
Identifiers: ClinVar variation 448678 (VCV000448678.3), dbSNP rs760984105, ClinGen allele CA9731680.